The following is an entry in ClinVar:

ClinVar aggregate classification (germline): Uncertain significance (1 of 4 stars; one submission).

Conditions:
Menkes kinky-hair syndrome (MNK). Also called: Copper transport disease; Menkes Disease; Classic Menkes Disease. Identifiers: Orphanet 565, MedGen C0022716, MONDO:0010651, OMIM 309400.
Cutis laxa, X-linked (OHS). Also called: EDS IX; Occipital horn syndrome. Identifiers: Orphanet 198, MedGen C0268353, MONDO:0010572, OMIM 304150.
X-linked distal spinal muscular atrophy type 3. Also called: ATP7A-Related Distal Motor Neuropathy; SPINAL MUSCULAR ATROPHY, DISTAL, X-LINKED RECESSIVE; NEURONOPATHY, DISTAL HEREDITARY MOTOR, X-LINKED; NEUROPATHY, DISTAL HEREDITARY MOTOR, X-LINKED. Identifiers: Orphanet 139557, MedGen C1845359, MONDO:0010338, OMIM 300489.

Submission:

Labcorp Genetics (formerly Invitae), Labcorp
Classification: Uncertain significance for X-linked distal spinal muscular atrophy type 3; Cutis laxa, X-linked; Menkes kinky-hair syndrome. Last evaluated: 2023-01-15. Review status: criteria provided, single submitter. Criteria: Invitae Variant Classification Sherloc (09022015). Collection method: clinical testing. Allele origin: germline.
Comment: This sequence change replaces alanine, which is neutral and non-polar, with glycine, which is neutral and non-polar, at codon 48 of the ATP7A protein (p.Ala48Gly). This variant is not present in population databases (gnomAD no frequency). This variant has not been reported in the literature in individuals affected with ATP7A-related conditions. Advanced modeling of protein sequence and biophysical properties (such as structural, functional, and spatial information, amino acid conservation, physicochemical variation, residue mobility, and thermodynamic stability) performed at Invitae indicates that this missense variant is not expected to disrupt ATP7A protein function. In summary, the available evidence is currently insufficient to determine the role of this variant in disease. Therefore, it has been classified as a Variant of Uncertain Significance.

NM_000052.7(ATP7A):c.143C>G (p.Ala48Gly)

Gene: ATP7A (ATPase copper transporting alpha; plus strand). Cytogenetic location: Xq21.1.
Variant type: single nucleotide variant.
Coding change: c.143C>G on transcript NM_000052.7 (MANE Select); coding-DNA position 143, C replaced by G.
Protein change: p.Ala48Gly; replaces alanine 48 with glycine.
Molecular consequence: missense variant.
Genome position (GRCh38, 1-based): chrX:77,988,264, C>G. VCF-style: chrX-77988264-C-G. GRCh37 (hg19) VCF-style: chrX-77243760-C-G.
Other names: c.143C>G, p.Ala48Gly (NM_001282224.2); short protein forms A48G.
Identifiers: ClinVar variation 2943229 (VCV002943229.3), dbSNP rs2522288721, ClinGen allele CA413598788.
Genomic context (GRCh38, chrX:77,988,264, plus strand): 5'-ATTTAATTAAACTGACTTTTGGAATTTCCTTCCAAAAGGTATCACTGGAAGAAAAAAATG[C>G]AACTATTATTTATGACCCTAAACTACAGACTCCAAAGACCCTACAGGAAGCTATTGATGA-3'
Protein context (NP_000043.4, residues 38-58): HIKVSLEEKN[Ala48Gly]TIIYDPKLQT